The following is an entry in ClinVar:

NM_032383.5(HPS3):c.38_39delinsCC (p.Gln13Pro)

Gene: HPS3 (HPS3 biogenesis of lysosomal organelles complex 2 subunit 1; plus strand). Cytogenetic location: 3q24.
Variant type: Indel.
Coding change: c.38_39delinsCC on transcript NM_032383.5 (MANE Select); coding-DNA positions 38 to 39, AG replaced by CC.
Protein change: p.Gln13Pro; replaces glutamine 13 with proline.
Molecular consequence: missense variant.
Genome position (GRCh38, 1-based): chr3:149,129,761-149,129,762, AG replaced by CC. VCF-style: chr3-149129761-AG-CC. GRCh37 (hg19) VCF-style: chr3-148847548-AG-CC.
Other names: c.38_39delinsCC, p.Gln13Pro (NM_001308258.2); short protein forms Q13P.
Identifiers: ClinVar variation 2164388 (VCV002164388.1), dbSNP rs2473044776, ClinGen allele CA2580068913.

ClinVar aggregate classification (germline): Uncertain significance (1 of 4 stars; one submission).

Submission:

Labcorp Genetics (formerly Invitae), Labcorp
Classification: Uncertain significance. Last evaluated: 2021-09-17. Review status: criteria provided, single submitter. Criteria: Invitae Variant Classification Sherloc (09022015). Collection method: clinical testing. Allele origin: germline.
Comment: This sequence change replaces glutamine with proline at codon 13 of the HPS3 protein (p.Gln13Pro). The glutamine residue is highly conserved and there is a moderate physicochemical difference between glutamine and proline. The frequency data for this variant in the population databases is not available, as this variant may be reported as separate entries in the ExAC database. This variant has not been reported in the literature in individuals affected with HPS3-related conditions. Algorithms developed to predict the effect of missense changes on protein structure and function are either unavailable or do not agree on the potential impact of this missense change (SIFT: "Not Available"; PolyPhen-2: "Probably Damaging"; Align-GVGD: "Not Available"). In summary, the available evidence is currently insufficient to determine the role of this variant in disease. Therefore, it has been classified as a Variant of Uncertain Significance.